The following is an entry in ClinVar:

NM_000264.5(PTCH1):c.3182C>T (p.Ala1061Val)

Gene: PTCH1 (patched 1; minus strand). Cytogenetic location: 9q22.32.
Variant type: single nucleotide variant.
Coding change: c.3182C>T on transcript NM_000264.5 (MANE Select); coding-DNA position 3182, C replaced by T.
Protein change: p.Ala1061Val; replaces alanine 1061 with valine.
Molecular consequence: missense variant. On other transcripts: non-coding transcript variant (1).
Genome position (GRCh38, 1-based): chr9:95,456,400, G>A on the plus strand (C>T on the coding strand, the complement: PTCH1 is on the minus strand). VCF-style: chr9-95456400-G-A. GRCh37 (hg19) VCF-style: chr9-98218682-G-A.
Other names: c.2984C>T, p.Ala995Val (NM_001083602.3); c.3179C>T, p.Ala1060Val (NM_001083603.3); c.2729C>T, p.Ala910Val (NM_001083604.3, NM_001083605.3, NM_001083606.3 and 1 more transcripts); c.3026C>T, p.Ala1009Val (NM_001354918.2); c.3182C>T (NM_000264.3); short protein forms A1009V, A1060V, A1061V, A910V, A995V.
Identifiers: ClinVar variation 1060915 (VCV001060915.9), dbSNP rs1409913416, ClinGen allele CA374112205.

ClinVar aggregate classification (germline): Conflicting classifications of pathogenicity. Review status: criteria provided, conflicting classifications (1 of 4 stars). 2 submissions from 2 submitters: Uncertain significance (1); Benign (1). Last evaluated 2025-12-13.

Conditions:
Hereditary cancer-predisposing syndrome. Also called: Tumor predisposition; Neoplastic Syndromes, Hereditary; Hereditary Cancer Syndrome; Hereditary neoplastic syndrome. Identifiers: Orphanet 140162, MedGen C0027672, MeSH D009386, MONDO:0015356.
Gorlin syndrome. Also called: Basal cell nevus syndrome; Nevoid Basal Cell Carcinoma Syndrome. Identifiers: Orphanet 377, MedGen C0004779, MONDO:0007187.

Allele frequency attached by ClinVar (database versions not stated): gnomAD exomes below 0.00001 and 0.00001; TOPMed 0.00002.
gnomAD v4.1: 7 of 1,613,838 alleles (0.00043%); highest among the groups gnomAD compares: African/African-American, 0.0053%; no homozygotes.

Submissions (2):

Ambry Genetics
Classification: Uncertain significance for Hereditary cancer-predisposing syndrome. Last evaluated: 2025-12-13. Review status: criteria provided, single submitter. Criteria: Ambry Variant Classification Scheme 2023. Collection method: clinical testing. Allele origin: germline.
Comment: The p.A1061V variant (also known as c.3182C>T), located in coding exon 19 of the PTCH1 gene, results from a C to T substitution at nucleotide position 3182. The alanine at codon 1061 is replaced by valine, an amino acid with similar properties. This amino acid position is well conserved in available vertebrate species. In addition, the in silico prediction for this alteration is inconclusive. Since supporting evidence is limited at this time, the clinical significance of this alteration remains unclear.

Labcorp Genetics (formerly Invitae), Labcorp
Classification: Benign for Gorlin syndrome. Last evaluated: 2025-08-17. Review status: criteria provided, single submitter. Criteria: Invitae Variant Classification Sherloc (09022015). Collection method: clinical testing. Allele origin: germline.